The following is an entry in ClinVar:

NM_001458.5(FLNC):c.4192A>T (p.Lys1398Ter)

Gene: FLNC (filamin C; plus strand). Cytogenetic location: 7q32.1.
Variant type: single nucleotide variant.
Coding change: c.4192A>T on transcript NM_001458.5 (MANE Select); coding-DNA position 4192, A replaced by T.
Protein change: p.Lys1398Ter; replaces lysine 1398 with a stop codon.
Molecular consequence: nonsense.
Genome position (GRCh38, 1-based): chr7:128,846,809, A>T. VCF-style: chr7-128846809-A-T. GRCh37 (hg19) VCF-style: chr7-128486863-A-T.
Other names: c.4192A>T, p.Lys1398Ter (NM_001127487.2); short protein forms K1398*.
Identifiers: ClinVar variation 1952547 (VCV001952547.10), dbSNP rs1585162066, ClinGen allele CA369200583.
Genomic context (GRCh38, chr7:128,846,809, plus strand): 5'-GCGGGCACCGGGGGCCTTGGCCTAGCCATCGAGGGTCCCTCGGAAGCCAAGATGTCCTGC[A>T]AGGACAACAAGGATGGTAGCTGCACCGTGGAGTACATCCCCTTCACTCCTGGAGACTATG-3'

ClinVar aggregate classification (germline): Pathogenic/Likely pathogenic. Review status: criteria provided, multiple submitters, no conflicts (2 of 4 stars). 5 submissions from 5 submitters: Pathogenic (4); Likely pathogenic (1). Last evaluated 2026-01-13.

Conditions:
Distal myopathy with posterior leg and anterior hand involvement. Also called: WILLIAMS DISTAL MYOPATHY. Identifiers: Orphanet 63273, MedGen C3279722, MONDO:0013550, OMIM 614065.
Myofibrillar myopathy 5. Also called: Filaminopathy (type); FILAMINOPATHY, AUTOSOMAL DOMINANT. Identifiers: Orphanet 171445, MedGen C1836050, MONDO:0012289, OMIM 609524.
Hypertrophic cardiomyopathy 26. Also called: Cardiomyopathy, familial hypertrophic, 26. Identifiers: Orphanet 75249, MedGen C4310749, MONDO:0014883, OMIM 617047.
FLNC-related disorder. Also called: FLNC-related disorders; FLNC-related condition.
Cardiovascular phenotype. Identifiers: MedGen CN230736.

Submissions (5):

Labcorp Genetics (formerly Invitae), Labcorp
Classification: Pathogenic for Distal myopathy with posterior leg and anterior hand involvement; Myofibrillar myopathy 5; Hypertrophic cardiomyopathy 26. Last evaluated: 2026-01-13. Review status: criteria provided, single submitter. Criteria: Invitae Variant Classification Sherloc (09022015). Collection method: clinical testing. Allele origin: germline.
Comment: This sequence change creates a premature translational stop signal (p.Lys1398*) in the FLNC gene. It is expected to result in an absent or disrupted protein product. Loss-of-function variants in FLNC are known to be pathogenic (PMID: 27908349). This variant is not present in population databases (gnomAD no frequency). This variant has not been reported in the literature in individuals affected with FLNC-related conditions. ClinVar contains an entry for this variant (Variation ID: 1952547). For these reasons, this variant has been classified as Pathogenic.

GeneDx
Classification: Pathogenic. Last evaluated: 2025-10-03. Review status: criteria provided, single submitter. Criteria: GeneDx Variant Classification Process June 2021. Collection method: clinical testing. Allele origin: germline.
Comment: Nonsense variant predicted to result in protein truncation or nonsense mediated decay in a gene for which loss of function is a known mechanism of disease; Not observed at significant frequency in large population cohorts (gnomAD); This variant is associated with the following publications: (PMID: Coderre2025[CaseReport])

Ambry Genetics
Classification: Pathogenic for Cardiovascular phenotype. Last evaluated: 2024-11-14. Review status: criteria provided, single submitter. Criteria: Ambry Variant Classification Scheme 2023. Collection method: clinical testing. Allele origin: germline.
Comment: The p.K1398* pathogenic mutation (also known as c.4192A>T), located in coding exon 24 of the FLNC gene, results from an A to T substitution at nucleotide position 4192. This changes the amino acid from a lysine to a stop codon within coding exon 24. This variant is considered to be rare based on population cohorts in the Genome Aggregation Database (gnomAD). This alteration is expected to result in loss of function by premature protein truncation or nonsense-mediated mRNA decay. As such, this alteration is interpreted as a disease-causing mutation for FLNC-related dilated cardiomyopathy; however, its clinical significance for FLNC-related hypertrophic/restrictive cardiomyopathy and/or skeletal myopathy is uncertain.

ARUP Laboratories, Molecular Genetics and Genomics, ARUP Laboratories
Classification: Pathogenic. Last evaluated: 2024-08-13. Review status: criteria provided, single submitter. Criteria: ARUP Molecular Germline Variant Investigation Process 2024. Collection method: clinical testing. Allele origin: germline.
Comment: The FLNC c.4192A>T; p.Lys1398Ter variant, to our knowledge, is not reported in the medical literature but is reported in ClinVar (Variation ID: 1952547). This variant is absent from the Genome Aggregation Database (v2.1.1), indicating it is not a common polymorphism. This variant induces an early termination codon and is predicted to result in a truncated protein or mRNA subject to nonsense-mediated decay. Additionally, multiple nearby and downstream truncating variants have been described in individuals with cardiomyopathy and are considered disease-causing (Begay 2018, Ortiz-Genga 2016). Based on available information, the p.Lys1398Ter variant is considered to be pathogenic. References: Begay RL et al. Filamin C Truncation Mutations Are Associated With Arrhythmogenic Dilated Cardiomyopathy and Changes in the Cell-Cell Adhesion Structures. JACC Clin Electrophysiol. 2018 Apr;4(4):504-514. PMID: 30067491. Ortiz-Genga MF et al. Truncating FLNC Mutations Are Associated With High-Risk Dilated and Arrhythmogenic Cardiomyopathies. J Am Coll Cardiol. 2016 Dec 6;68(22):2440-2451. PMID: 27908349.

Rady Children's Institute for Genomic Medicine, Rady Children's Hospital San Diego
Classification: Likely pathogenic for FLNC-Related Disorders. Last evaluated: 2024-04-03. Review status: criteria provided, single submitter. Criteria: ACMG Guidelines, 2015. Collection method: clinical testing. Allele origin: germline. Affected: yes.
Comment: This nonsense variant found in exon 24 of 48 is predicted to result in loss of normal protein function through either protein truncation or nonsense-mediated mRNA decay. The FLNC gene is constrained against variation (Z-score= 5.95 and pLI = 1), and loss-of-function variants are an established mechanism of disease (HGMD, ClinVar database; PMID: 35699965, 27908349). This variant has not been previously reported or functionally characterized in the literature to our knowledge. The c.4192A>T (p.Lys1398Ter) variant is absent from the gnomAD v4 population database and thus is presumed to be rare. Based on the available evidence, c.4192A>T (p.Lys1398Ter) is classified as Likely Pathogenic.

Literature cited by the submitters: PubMed 27908349 (cited by Labcorp Genetics (formerly Invitae), Labcorp).